The following is an entry in ClinVar:

ClinVar aggregate classification (germline): Uncertain significance. Review status: criteria provided, multiple submitters, no conflicts (2 of 4 stars). 2 submissions from 2 submitters: Uncertain significance (2). Last evaluated 2025-08-22.

Conditions:
Inborn genetic diseases. Identifiers: MedGen C0950123, MeSH D030342.
Joubert syndrome. Also called: CEREBELLOPARENCHYMAL DISORDER IV; JOUBERT-BOLTSHAUSER SYNDROME; Familial aplasia of the vermis. Identifiers: Orphanet 475, MedGen C5979921, MONDO:0018772.
Nephronophthisis. Also called: Juvenile Nephronophthisis. Identifiers: Orphanet 655, MedGen C0687120, MONDO:0019005, HP:0000090.
Meckel-Gruber syndrome. Also called: DYSENCEPHALIA SPLANCHNOCYSTICA; GRUBER SYNDROME; Dysencephalia splachnocystica. Identifiers: Orphanet 564, MedGen C0265215, MONDO:0018921.

Allele frequency attached by ClinVar (database versions not stated): gnomAD exomes 0.00002.
gnomAD v4.1: 21 of 1,514,618 alleles (0.0014%); highest among the groups gnomAD compares: Non-Finnish European, 0.0018%; no homozygotes.

Submissions (2):

Ambry Genetics
Classification: Uncertain significance for Inborn genetic diseases. Last evaluated: 2025-08-22. Review status: criteria provided, single submitter. Criteria: Ambry Variant Classification Scheme 2023. Collection method: clinical testing. Allele origin: germline.

Labcorp Genetics (formerly Invitae), Labcorp
Classification: Uncertain significance for Joubert syndrome; Meckel-Gruber syndrome; Nephronophthisis. Last evaluated: 2022-05-29. Review status: criteria provided, single submitter. Criteria: Invitae Variant Classification Sherloc (09022015). Collection method: clinical testing. Allele origin: germline.
Comment: This sequence change replaces leucine, which is neutral and non-polar, with phenylalanine, which is neutral and non-polar, at codon 1861 of the CEP290 protein (p.Leu1861Phe). This variant is not present in population databases (gnomAD no frequency). This variant has not been reported in the literature in individuals affected with CEP290-related conditions. Algorithms developed to predict the effect of missense changes on protein structure and function (SIFT, PolyPhen-2, Align-GVGD) all suggest that this variant is likely to be tolerated. In summary, the available evidence is currently insufficient to determine the role of this variant in disease. Therefore, it has been classified as a Variant of Uncertain Significance.

NM_025114.4(CEP290):c.5583A>C (p.Leu1861Phe)

Gene: CEP290 (centrosomal protein 290; minus strand). Cytogenetic location: 12q21.32.
Variant type: single nucleotide variant.
Coding change: c.5583A>C on transcript NM_025114.4 (MANE Select); coding-DNA position 5583, A replaced by C.
Protein change: p.Leu1861Phe; replaces leucine 1861 with phenylalanine.
Molecular consequence: missense variant.
Genome position (GRCh38, 1-based): chr12:88,077,700, T>G on the plus strand (A>C on the coding strand, the complement: CEP290 is on the minus strand). VCF-style: chr12-88077700-T-G. GRCh37 (hg19) VCF-style: chr12-88471477-T-G.
Other names: c.5583A>C (NM_025114.3); short protein forms L1861F.
Identifiers: ClinVar variation 2169367 (VCV002169367.5), dbSNP rs1374659944, ClinGen allele CA385988016.